The following is an entry in ClinVar:

ClinVar aggregate classification (germline): Uncertain significance (1 of 4 stars; one submission).

Conditions:
Megaconial type congenital muscular dystrophy (MDCMC). Also called: CHKB-Related Muscle Diseases; CHKB-Related Muscular Dystrophy; MUSCULAR DYSTROPHY, CONGENITAL, WITH MITOCHONDRIAL STRUCTURAL ABNORMALITIES. Identifiers: Orphanet 280671, MedGen C1865233, MONDO:0011246, OMIM 602541.

Allele frequency attached by ClinVar (database versions not stated): gnomAD exomes below 0.00001.
gnomAD v4.1: 5 of 1,613,898 alleles (0.00031%); highest among the groups gnomAD compares: African/African-American, 0.0013%; no homozygotes.

Submission:

Labcorp Genetics (formerly Invitae), Labcorp
Classification: Uncertain significance for Megaconial type congenital muscular dystrophy. Last evaluated: 2024-10-17. Review status: criteria provided, single submitter. Criteria: Invitae Variant Classification Sherloc (09022015). Collection method: clinical testing. Allele origin: germline.
Comment: This sequence change replaces leucine, which is neutral and non-polar, with phenylalanine, which is neutral and non-polar, at codon 126 of the CHKB protein (p.Leu126Phe). This variant is not present in population databases (gnomAD no frequency). This variant has not been reported in the literature in individuals affected with CHKB-related conditions. ClinVar contains an entry for this variant (Variation ID: 1946839). Invitae Evidence Modeling of protein sequence and biophysical properties (such as structural, functional, and spatial information, amino acid conservation, physicochemical variation, residue mobility, and thermodynamic stability) indicates that this missense variant is expected to disrupt CHKB protein function with a positive predictive value of 80%. In summary, the available evidence is currently insufficient to determine the role of this variant in disease. Therefore, it has been classified as a Variant of Uncertain Significance.

NM_005198.5(CHKB):c.376C>T (p.Leu126Phe)

Genes: CHKB-CPT1B (CHKB-CPT1B readthrough (NMD candidate); minus strand), CHKB (choline kinase beta; minus strand). Cytogenetic location: 22q13.33.
Variant type: single nucleotide variant.
Coding change: c.376C>T on transcript NM_005198.5 (MANE Select); coding-DNA position 376, C replaced by T.
Protein change: p.Leu126Phe; replaces leucine 126 with phenylalanine.
Molecular consequence: missense variant. On other transcripts: non-coding transcript variant (1).
Genome position (GRCh38, 1-based): chr22:50,581,820, G>A on the plus strand (C>T on the coding strand, the complement: CHKB is on the minus strand). VCF-style: chr22-50581820-G-A. GRCh37 (hg19) VCF-style: chr22-51020249-G-A.
Other names: short protein forms L126F.
Identifiers: ClinVar variation 1946839 (VCV001946839.5), dbSNP rs2070697319, ClinGen allele CA412201577.